The following is an entry in ClinVar:

ClinVar aggregate classification (germline): Benign (1 of 4 stars; one submission).

gnomAD v4.1: 11 of 1,597,750 alleles (0.00069%); highest among the groups gnomAD compares: South Asian, 0.0011%; no homozygotes.

Submission:

Women's Health and Genetics/Laboratory Corporation of America, LabCorp
Classification: Benign. Last evaluated: 2025-10-09. Review status: criteria provided, single submitter. Criteria: LabCorp Variant Classification Summary - May 2015. Collection method: clinical testing. Allele origin: germline.
Comment: Variant summary: DNMT1 c.*13G>A is located in the untranslated mRNA region downstream of the termination codon. The variant allele was found at a frequency of 6.9e-06 in 1597750 control chromosomes. The observed variant frequency exceeds the estimated maximal expected allele frequency for disease-causing variants in DNMT1. To our knowledge, no occurrence of c.*13G>A in individuals affected with DNMT1-related conditions and no experimental evidence demonstrating its impact on protein function have been reported. No submitters have cited clinical-significance assessments for this variant to ClinVar. Based on the evidence outlined above, the variant was classified as benign.

NM_001130823.3(DNMT1):c.*13G>A

Gene: DNMT1 (DNA methyltransferase 1; minus strand). Cytogenetic location: 19p13.2.
Variant type: single nucleotide variant.
Coding change: c.*13G>A on transcript NM_001130823.3 (MANE Select); 13 bases downstream of the stop codon, G replaced by A.
Molecular consequence: 3 prime UTR variant.
Genome position (GRCh38, 1-based): chr19:10,133,654, C>T on the plus strand (G>A on the coding strand, the complement: DNMT1 is on the minus strand). VCF-style: chr19-10133654-C-T. GRCh37 (hg19) VCF-style: chr19-10244330-C-T.
Other names: c.*13G>A (NM_001318730.2, NM_001318731.2, NM_001379.4).
Identifiers: ClinVar variation 4687421 (VCV004687421.1).
Genomic context (GRCh38, chr19:10,133,654, plus strand): 5'-CATGTTAAAAACACAACATCAGTGCATGTTGGGGATTCCTGGTGCCAGAAACAGGGGTGA[C>T]GGGAGGGCAGAACTAGTCCTTAGCAGCTTCCTCCTCCTTTATTTTAGCTGAAGGGAAATA-3'